The following is an entry in ClinVar:

ClinVar aggregate classification (germline): Uncertain significance (1 of 4 stars; one submission).

Allele frequency attached by ClinVar (database versions not stated): gnomAD exomes below 0.00001; gnomAD 0.00001; TOPMed 0.00001; ExAC 0.00002.
gnomAD v4.1: 7 of 1,583,560 alleles (0.00044%); highest among the groups gnomAD compares: African/African-American, 0.0054%; no homozygotes.

Submission:

Labcorp Genetics (formerly Invitae), Labcorp
Classification: Uncertain significance. Last evaluated: 2025-03-03. Review status: criteria provided, single submitter. Criteria: Invitae Variant Classification Sherloc (09022015). Collection method: clinical testing. Allele origin: germline.
Comment: This sequence change replaces lysine, which is basic and polar, with asparagine, which is neutral and polar, at codon 133 of the CPLX1 protein (p.Lys133Asn). The frequency data for this variant in the population databases is considered unreliable, as metrics indicate poor data quality at this position in the gnomAD database. This variant has not been reported in the literature in individuals affected with CPLX1-related conditions. ClinVar contains an entry for this variant (Variation ID: 1938806). An algorithm developed to predict the effect of missense changes on protein structure and function (PolyPhen-2) suggests that this variant is likely to be disruptive. In summary, the available evidence is currently insufficient to determine the role of this variant in disease. Therefore, it has been classified as a Variant of Uncertain Significance.

NM_006651.4(CPLX1):c.399G>C (p.Lys133Asn)

Gene: CPLX1 (complexin 1; minus strand). Cytogenetic location: 4p16.3.
Variant type: single nucleotide variant.
Coding change: c.399G>C on transcript NM_006651.4 (MANE Select); coding-DNA position 399, G replaced by C.
Protein change: p.Lys133Asn; replaces lysine 133 with asparagine.
Molecular consequence: missense variant.
Genome position (GRCh38, 1-based): chr4:786,507, C>G on the plus strand (G>C on the coding strand, the complement: CPLX1 is on the minus strand). VCF-style: chr4-786507-C-G. GRCh37 (hg19) VCF-style: chr4-780295-C-G.
Other names: short protein forms K133N.
Identifiers: ClinVar variation 1938806 (VCV001938806.5), dbSNP rs752540997, ClinGen allele CA2796885.